The following is an entry in ClinVar:

NM_007255.3(B4GALT7):c.541G>A (p.Gly181Arg)

Gene: B4GALT7 (beta-1,4-galactosyltransferase 7; plus strand). Cytogenetic location: 5q35.3.
Variant type: single nucleotide variant.
Coding change: c.541G>A on transcript NM_007255.3 (MANE Select); coding-DNA position 541, G replaced by A.
Protein change: p.Gly181Arg; replaces glycine 181 with arginine.
Molecular consequence: missense variant.
Genome position (GRCh38, 1-based): chr5:177,607,429, G>A. VCF-style: chr5-177607429-G-A. GRCh37 (hg19) VCF-style: chr5-177034430-G-A.
Other names: short protein forms G181R.
Identifiers: ClinVar variation 1194725 (VCV001194725.3), dbSNP rs1768046950, ClinGen allele CA362375551.

ClinVar aggregate classification (germline): Uncertain significance. Review status: criteria provided, multiple submitters, no conflicts (2 of 4 stars). 2 submissions from 2 submitters: Uncertain significance (2). Last evaluated 2025-08-10.

Conditions:
Inborn genetic diseases. Identifiers: MedGen C0950123, MeSH D030342.

Allele frequency attached by ClinVar (database versions not stated): gnomAD exomes below 0.00001; TOPMed below 0.00001; gnomAD 0.00001.

Submissions (2):

Ambry Genetics
Classification: Uncertain significance for Inborn genetic diseases. Last evaluated: 2025-08-10. Review status: criteria provided, single submitter. Criteria: Ambry Variant Classification Scheme 2023. Collection method: clinical testing. Allele origin: germline.

GeneDx
Classification: Uncertain significance. Last evaluated: 2019-12-06. Review status: criteria provided, single submitter. Criteria: GeneDx Variant Classification Process June 2021. Collection method: clinical testing. Allele origin: germline. Affected: yes.
Comment: Not observed at a significant frequency in large population cohorts (Lek et al., 2016); In silico analysis, which includes protein predictors and evolutionary conservation, supports a deleterious effect; Has not been previously published as pathogenic or benign to our knowledge